The following is an entry in ClinVar:

NM_000558.3(HBA1):c.278G>T (p.Arg93Leu)

Genes: HBA1 (hemoglobin subunit alpha 1; plus strand), LOC106804613 (hemoglobin subunit alpha 1 recombination region; plus strand). Cytogenetic location: 16p13.3.
Variant type: single nucleotide variant.
Coding change: c.278G>T on transcript NM_000558.3; coding-DNA position 278, G replaced by T.
Protein change: p.Arg93Leu; replaces arginine 93 with leucine.
Molecular consequence: missense variant (on NM_000558.5).
Genome position (GRCh38, 1-based): chr16:177,111, G>T. VCF-style: chr16-177111-G-T. GRCh37 (hg19) VCF-style: chr16-227110-G-T.
Other names: R92L; c.278G>T, p.Arg93Leu (NM_000558.5); short protein forms R93L.
Identifiers: ClinVar variation 15711 (VCV000015711.3), dbSNP rs33991779, ClinGen allele CA125697.
Genomic context (GRCh38, chr16:177,111, plus strand): 5'-ACGTGGACGACATGCCCAACGCGCTGTCCGCCCTGAGCGACCTGCACGCGCACAAGCTTC[G>T]GGTGGACCCGGTCAACTTCAAGGTGAGCGGCGGGCCGGGAGCGATCTGGGTCGAGGGGCG-3'
Protein context (NP_000549.1, residues 83-103): ALSDLHAHKL[Arg93Leu]VDPVNFKLLS

ClinVar aggregate classification (germline): Likely pathogenic. Review status: criteria provided, single submitter (1 of 4 stars). 3 submissions from 2 submitters: Likely pathogenic (1). 2 of the submissions do not count toward it. Last evaluated 2025-05-19.

Conditions:
Erythrocytosis, familial, 7. Also called: ERYTHROCYTOSIS, ALPHA-GLOBIN TYPE; POLYCYTHEMIA, ALPHA-GLOBIN TYPE; ERYTHROCYTOSIS 7. Identifiers: MedGen C4693823, MONDO:0054802, OMIM 617981.
HEMOGLOBIN CHESAPEAKE.

Allele frequency attached by ClinVar (database versions not stated): gnomAD exomes below 0.00001.

Submissions (3):

ARUP Laboratories, Molecular Genetics and Genomics, ARUP Laboratories
Classification: Likely pathogenic. Last evaluated: 2025-05-19. Review status: criteria provided, single submitter. Criteria: ARUP Molecular Germline Variant Investigation Process 2024. Collection method: clinical testing. Allele origin: germline.
Comment: The Hb Chesapeake variant (HBA1 or HBA2: c.278G>T; p.Arg93Leu, also known as Arg92Leu when numbered from the mature protein, rs33991779, HbVar ID: 148, ClinVar variation ID: 15711) is reported in the literature in individuals, including a large pedigree, affected with mild erythrocytosis/polycythemia (HbVar and references therein, Charache 1996, Granel 2001, Jones 1979). This variant is absent from the Genome Aggregation Database (v2.1.1), indicating it is not a common polymorphism. This variant is an autosomal dominant erythrocytosis variant with significantly increased oxygen affinity (HbVar, Charache 1966, Imai 1974, Wajcman 2005). Computational analyses predict that this variant is deleterious (REVEL: 0.864). Based on available information, this variant is considered to be likely pathogenic. References: Link to HbVar database: Charache S et al. Polycythemia associated with a hemoglobinopathy. J Clin Invest. 1966 Jun;45(6):813-22. PMID: 5913291. Granel B et al. A new case of hemoglobin Chesapeake. Haematologica. 2001 Jan;86(1):105. PMID: 11146582. Imai K. Hemoglobin Chesapeake (92 alpha, arginine--leucine). Precise measurements and analyses of oxygen equilibrium. J Biol Chem. 1974 Dec 10;249(23):7607-12. PMID: 4436327. Jones CM et al. The effect of hemoglobin F-Chesapeake (alpha 2 92 Arg. leads to Leu gamma 2) on fetal oxygen affinity and erythropoiesis. Pediatr Res. 1979 Jul;13(7):851-3. PMID: 481959. Wajcman H et al. Hemoglobins with high oxygen affinity leading to erythrocytosis. New variants and new concepts. Hemoglobin. 2005;29(2):91-106. PMID: 15921161.

OMIM
Classification: other for HEMOGLOBIN CHESAPEAKE. Last evaluated: 2019-11-01. Review status: no assertion criteria provided. Collection method: literature only. Allele origin: germline. Not counted in ClinVar's aggregate classification.

OMIM
Classification: Pathogenic for ERYTHROCYTOSIS 7. Last evaluated: 1983-01-01. Review status: no assertion criteria provided. Collection method: literature only. Allele origin: germline. Not counted in ClinVar's aggregate classification.

Literature cited by the submitters: PubMed 5967288 (cited by OMIM); PubMed 6188720 (cited by OMIM); PubMed 5913291 (cited by OMIM).